The following is an entry in ClinVar:

NM_002907.4(RECQL):c.681G>C (p.Trp227Cys)

Gene: RECQL (RecQ like helicase; minus strand). Cytogenetic location: 12p12.1.
Variant type: single nucleotide variant.
Coding change: c.681G>C on transcript NM_002907.4 (MANE Select); coding-DNA position 681, G replaced by C.
Protein change: p.Trp227Cys; replaces tryptophan 227 with cysteine.
Molecular consequence: missense variant.
Genome position (GRCh38, 1-based): chr12:21,483,395, C>G on the plus strand (G>C on the coding strand, the complement: RECQL is on the minus strand). VCF-style: chr12-21483395-C-G. GRCh37 (hg19) VCF-style: chr12-21636329-C-G.
Other names: c.681G>C, p.Trp227Cys (NM_032941.3); short protein forms W227C.
Identifiers: ClinVar variation 4863125 (VCV004863125.1).

ClinVar aggregate classification (germline): Uncertain significance (1 of 4 stars; one submission).

Submission:

Ambry Genetics
Classification: Uncertain significance. Last evaluated: 2026-05-02. Review status: criteria provided, single submitter. Criteria: Ambry Variant Classification Scheme 2023. Collection method: clinical testing. Allele origin: germline.
Comment: The p.W227C variant (also known as c.681G>C), located in coding exon 5 of the RECQL gene, results from a G to C substitution at nucleotide position 681. The tryptophan at codon 227 is replaced by cysteine, an amino acid with highly dissimilar properties. This amino acid position is conserved. In addition, this alteration is predicted to be deleterious by in silico analysis. Based on the available evidence, the clinical significance of this variant remains unclear.